The following is an entry in ClinVar:

NM_005359.6(SMAD4):c.1143G>T (p.Leu381Phe)

Gene: SMAD4 (SMAD family member 4; plus strand). Cytogenetic location: 18q21.2.
Variant type: single nucleotide variant.
Coding change: c.1143G>T on transcript NM_005359.6 (MANE Select); coding-DNA position 1143, G replaced by T.
Protein change: p.Leu381Phe; replaces leucine 381 with phenylalanine.
Molecular consequence: missense variant. On other transcripts: non-coding transcript variant (1).
Genome position (GRCh38, 1-based): chr18:51,067,022, G>T. VCF-style: chr18-51067022-G-T. GRCh37 (hg19) VCF-style: chr18-48593392-G-T.
Other names: c.1143G>T, p.Leu381Phe (NM_001407041.1, NM_001407042.1); short protein forms L381F.
Identifiers: ClinVar variation 3445878 (VCV003445878.1).
Genomic context (GRCh38, chr18:51,067,022, plus strand): 5'-AAAATTTAATTTAAAATACTTATCAAGATAAAATGTAATTTCTTTTTTCTTCCTAAGGTT[G>T]CACATAGGCAAAGGTGTGCAGTTGGAATGTAAAGGTGAAGGTGATGTTTGGGTCAGGTGC-3'
Protein context (NP_005350.1, residues 371-391): HRTEAIERAR[Leu381Phe]HIGKGVQLEC

ClinVar aggregate classification (germline): Uncertain significance (1 of 4 stars; one submission).

Conditions:
Familial thoracic aortic aneurysm and aortic dissection (TAAD). Also called: Thoracic aortic aneurysms and dissections. Identifiers: Orphanet 91387, MedGen C4707243, MONDO:0019625.
Hereditary cancer-predisposing syndrome. Also called: Tumor predisposition; Neoplastic Syndromes, Hereditary; Hereditary neoplastic syndrome; Hereditary Cancer Syndrome. Identifiers: Orphanet 140162, MedGen C0027672, MeSH D009386, MONDO:0015356.

Submission:

Ambry Genetics
Classification: Uncertain significance for Hereditary cancer-predisposing syndrome; Familial thoracic aortic aneurysm and aortic dissection. Last evaluated: 2024-11-12. Review status: criteria provided, single submitter. Criteria: Ambry Variant Classification Scheme 2023. Collection method: clinical testing. Allele origin: germline.
Comment: The p.L381F variant (also known as c.1143G>T), located in coding exon 9 of the SMAD4 gene, results from a G to T substitution at nucleotide position 1143. The leucine at codon 381 is replaced by phenylalanine, an amino acid with highly similar properties. This amino acid position is conserved. In addition, this alteration is predicted to be deleterious by in silico analysis. Based on the available evidence, the clinical significance of this variant remains unclear.